The following is an entry in ClinVar:

ClinVar aggregate classification (germline): Uncertain significance (1 of 4 stars; one submission).

Conditions:
NF1-related disorder. Also called: NF1-related condition. Identifiers: MedGen CN379171.

Submission:

PreventionGenetics, part of Exact Sciences
Classification: Uncertain significance for NF1-related condition. Last evaluated: 2023-04-14. Review status: criteria provided, single submitter. Criteria: ACMG Guidelines, 2015. Collection method: clinical testing. Allele origin: germline.
Comment: The NF1 c.2331_2337delinsCAAAATGGGA variant is predicted to result in an in-frame deletion and insertion. To our knowledge, this variant has not been reported in the literature or in a large population database, indicating this variant is rare. Of note, multiple missense variants affecting amino acid Trp777 (p.Trp777Arg, p.Trp777Gly, p.Trp777Ser) have been well established as pathogenic (See ClinVar IDs: 230937, 652361, 635519, 68315). Although we suspect this variant may be pathogenic, at this time, the clinical significance of this variant is uncertain due to the absence of conclusive functional and genetic evidence.

NM_001042492.3(NF1):c.2331_2337delinsCAAAATGGGA (p.Trp777_Asp779delinsCysLysMetGly)

Gene: NF1 (neurofibromin 1; plus strand). Cytogenetic location: 17q11.2.
Variant type: Indel.
Coding change: c.2331_2337delinsCAAAATGGGA on transcript NM_001042492.3 (MANE Select); coding-DNA positions 2331 to 2337, GGAAGAT replaced by CAAAATGGGA.
Protein change: p.Trp777_Asp779delinsCysLysMetGly.
Molecular consequence: inframe indel.
Genome position (GRCh38, 1-based): chr17:31,227,528-31,227,534, GGAAGAT replaced by CAAAATGGGA. VCF-style: chr17-31227528-GGAAGAT-CAAAATGGGA. GRCh37 (hg19) VCF-style: chr17-29554546-GGAAGAT-CAAAATGGGA.
Other names: c.2331_2337delGGAAGATinsCAAAATGGGA, p.Trp777_Asp779delinsCysLysMetGly (NM_000267.4, NM_001042492.2).
Identifiers: ClinVar variation 2636428 (VCV002636428.1), dbSNP rs2508170534, ClinGen allele CA2695201283.
Genomic context (GRCh38, chr17:31,227,528, plus strand): 5'-TTGATGTTTAGCTCTAGACTAAGTTGCTTTCAAGTGATAATTGCCTTCATTTTAGGCTTG[GGAAGAT>CAAAATGGGA]ACACATGCAAAATGGGAACAAGCAACAAAGCTAATCCTTAACTATCCAAAAGCCAAAATG-3'